The following is an entry in ClinVar:

NM_004612.4(TGFBR1):c.134A>G (p.Asn45Ser)

Gene: TGFBR1 (transforming growth factor beta receptor 1; plus strand). Cytogenetic location: 9q22.33.
Variant type: single nucleotide variant.
Coding change: c.134A>G on transcript NM_004612.4 (MANE Select); coding-DNA position 134, A replaced by G.
Protein change: p.Asn45Ser; replaces asparagine 45 with serine.
Molecular consequence: missense variant.
Genome position (GRCh38, 1-based): chr9:99,128,891, A>G. VCF-style: chr9-99128891-A-G. GRCh37 (hg19) VCF-style: chr9-101891173-A-G.
Other names: p.N45S:AAT>AGT; c.134A>G, p.Asn45Ser (NM_001130916.3, NM_001306210.2); short protein forms N45S.
Identifiers: ClinVar variation 29915 (VCV000029915.22), dbSNP rs387906696, ClinGen allele CA008745.

ClinVar aggregate classification (germline): Uncertain significance. Review status: criteria provided, multiple submitters, no conflicts (2 of 4 stars). 9 submissions from 9 submitters: Uncertain significance (8). 1 of the submissions does not count toward it. Last evaluated 2025-05-27.

Conditions:
Isolated thoracic aortic aneurysm.
Loeys-Dietz syndrome 1 (LDS1). Also called: TGFBR1-Related Loeys-Dietz Syndrome; AORTIC ANEURYSM, FAMILIAL THORACIC 5; FURLONG SYNDROME. Identifiers: Orphanet 60030, MedGen C4551955, MONDO:0012212, OMIM 609192.
Multiple self-healing squamous epithelioma (MSSE). Also called: MULTIPLE SELF-HEALING SQUAMOUS EPITHELIOMA, SUSCEPTIBILITY TO. Identifiers: Orphanet 65748, MedGen C0546476, MONDO:0007566, OMIM 132800.
Loeys-Dietz syndrome (LDS). Identifiers: Orphanet 60030, MedGen C2697932, MONDO:0018954.
Familial thoracic aortic aneurysm and aortic dissection (TAAD). Also called: Thoracic aortic aneurysms and dissections. Identifiers: Orphanet 91387, MedGen C4707243, MONDO:0019625.

Allele frequency attached by ClinVar (database versions not stated): TOPMed 0.00002; gnomAD 0.00003; ExAC 0.00001; gnomAD exomes 0.00001.
gnomAD v4.1: 14 of 1,613,766 alleles (0.00087%); highest among the groups gnomAD compares: South Asian, 0.0022%; no homozygotes.

Submissions (9):

Color Diagnostics, LLC DBA Color Health
Classification: Uncertain significance for Familial thoracic aortic aneurysm and aortic dissection. Last evaluated: 2025-05-27. Review status: criteria provided, single submitter. Criteria: ACMG Guidelines, 2015. Collection method: clinical testing. Allele origin: germline.
Comment: This missense variant replaces asparagine with serine at codon 45 of the TGFBR1 protein. Computational prediction suggests that this variant may have a deleterious impact on protein structure and function. To our knowledge, functional studies have not been reported for this variant. This variant has been reported in two individuals affected with thoracic aortic aneurysm and dissection, one sporadic and the other with family history of thoracic aortic aneurysm and dissection and sudden unexplained death (PMID: 29907982, 33824467). This variant has also been reported in two related individuals affected with multiple self-healing squamous epithelioma as well as in an unaffected family member (PMID: 21358634). This variant has been identified in 3/282384 chromosomes in the general population by the Genome Aggregation Database (gnomAD). The available evidence is insufficient to determine the role of this variant in disease conclusively. Therefore, this variant is classified as a Variant of Uncertain Significance.

GeneDx
Classification: Uncertain significance. Last evaluated: 2025-05-23. Review status: criteria provided, single submitter. Criteria: GeneDx Variant Classification Process June 2021. Collection method: clinical testing. Allele origin: germline. Affected: yes.
Comment: Identified in an individual with aortic dissection, multiple aortic and arterial aneurysms, hypermobility, and a significant family history, although segregation data was not available (PMID: 29907982); Observed in one Scottish family with multiple self-healing squamous epithelioma (MSSE); however, it was identified in two symptomatic relatives and one asymptomatic relative, and additional evidence is needed to establish the association between TGFBR1 variants and MSSE (PMID: 21358634); Not observed at significant frequency in large population cohorts (gnomAD); In silico analysis supports that this missense variant has a deleterious effect on protein structure/function; This variant is associated with the following publications: (PMID: 25275298, 23358093, 28498993, 23358096, 24747516, 21358634, 37937776, 33824467, 29907982)

Labcorp Genetics (formerly Invitae), Labcorp
Classification: Uncertain significance for Familial thoracic aortic aneurysm and aortic dissection. Last evaluated: 2025-05-02. Review status: criteria provided, single submitter. Criteria: Invitae Variant Classification Sherloc (09022015). Collection method: clinical testing. Allele origin: germline.
Comment: This sequence change replaces asparagine, which is neutral and polar, with serine, which is neutral and polar, at codon 45 of the TGFBR1 protein (p.Asn45Ser). This variant is present in population databases (rs387906696, gnomAD 0.004%). This missense change has been observed in individuals with multiple self-healing squamous epithelioma and/or thoracic aortic aneurysms and dissections (PMID: 21358634, 29907982, 33824467; internal data). ClinVar contains an entry for this variant (Variation ID: 29915). Invitae Evidence Modeling of protein sequence and biophysical properties (such as structural, functional, and spatial information, amino acid conservation, physicochemical variation, residue mobility, and thermodynamic stability) indicates that this missense variant is not expected to disrupt TGFBR1 protein function with a negative predictive value of 95%. In summary, the available evidence is currently insufficient to determine the role of this variant in disease. Therefore, it has been classified as a Variant of Uncertain Significance.

All of Us Research Program, National Institutes of Health
Classification: Uncertain significance for Loeys-Dietz syndrome. Last evaluated: 2023-09-17. Review status: criteria provided, single submitter. Criteria: ACMG Guidelines, 2015. Collection method: clinical testing. Allele origin: germline. Inheritance: Autosomal dominant inheritance. Observed: 2 variant alleles, 2 heterozygotes.
Comment: This missense variant replaces asparagine with serine at codon 45 of the TGFBR1 protein. Computational prediction suggests that this variant may have deleterious impact on protein structure and function (internally defined REVEL score threshold >= 0.7, PMID: 27666373). To our knowledge, functional studies have not been reported for this variant. This variant has been reported in two individuals affected with thoracic aortic aneurysm and dissection, one sporadic and the other with family history of thoracic aortic aneurysm and dissection and sudden unexplained death (PMID: 29907982, 33824467). This variant has also been reported in two related individuals affected with multiple self-healing squamous epithelioma as well as in an unaffected family member (PMID: 21358634). This variant has been identified in 3/282384 chromosomes in the general population by the Genome Aggregation Database (gnomAD). The available evidence is insufficient to determine the role of this variant in disease conclusively. Therefore, this variant is classified as a Variant of Uncertain Significance.

This study involves interpretation of variants in research participants for the purpose of population health screening. Participant phenotype was not available at the time of variant classification. Additional details can be found in publication PMID: 35346344, PMCID: PMC8962531

Fulgent Genetics
Classification: Uncertain significance for Multiple self-healing squamous epithelioma; Loeys-Dietz syndrome 1. Last evaluated: 2021-10-29. Review status: criteria provided, single submitter. Criteria: ACMG Guidelines, 2015. Collection method: clinical testing. Allele origin: unknown.

CHEO Genetics Diagnostic Laboratory, Children's Hospital of Eastern Ontario
Classification: Uncertain significance for Familial thoracic aortic aneurysm and aortic dissection. Last evaluated: 2019-12-13. Review status: criteria provided, single submitter. Criteria: ACMG Guidelines, 2015. Collection method: clinical testing. Allele origin: germline.

Department of Vascular Biology, Beijing Anzhen Hospital
Classification: Uncertain significance for Isolated thoracic aortic aneurysm. Last evaluated: 2018-09-01. Review status: criteria provided, single submitter. Criteria: ACMG Guidelines, 2015. Collection method: research. Allele origin: germline. Affected: yes.

Laboratory for Molecular Medicine, Mass General Brigham Personalized Medicine
Classification: Uncertain significance. Last evaluated: 2016-12-16. Review status: criteria provided, single submitter. Criteria: LMM Criteria. Collection method: clinical testing. Allele origin: germline.
Comment: Variant identified in a genome or exome case(s) and assessed due to predicted null impact of the variant or pathogenic assertions in the literature or databases. Disclaimer: This variant has not undergone full assessment. The following are preliminary notes: This variant has been reported in a Scottish family with Multiple self-healing squamous epithelioma (MSSE - 2 affected and 1 unaffected relative). This variant is classified in ClinVar with 1 star as Pathogenic by GeneDx and a risk factor by OMIM. It has a Max MAF of 0.006% in ExAC (1 allele) and 0.003% in gnomAD (1 allele).

OMIM
Classification: risk factor for MULTIPLE SELF-HEALING SQUAMOUS EPITHELIOMA, SUSCEPTIBILITY TO. Last evaluated: 2011-02-27. Review status: no assertion criteria provided. Collection method: literature only. Allele origin: germline. Not counted in ClinVar's aggregate classification.

Literature cited by the submitters: PubMed 21358634 (cited by 4 submitters); PubMed 29907982 (cited by 3 submitters); PubMed 33824467 (cited by 3 submitters).